The following is an entry in ClinVar:

ClinVar aggregate classification (germline): Likely benign. Review status: criteria provided, multiple submitters, no conflicts (2 of 4 stars). 4 submissions from 4 submitters: Likely benign (2). 2 of the submissions do not count toward it. Last evaluated 2023-07-20.

Conditions:
Inborn genetic diseases. Identifiers: MedGen C0950123, MeSH D030342.
Rubinstein-Taybi syndrome due to EP300 haploinsufficiency. Also called: EP300-Related Rubinstein-Taybi Syndrome; RUBINSTEIN-TAYBI SYNDROME 2. Identifiers: Orphanet 353284, Orphanet 783, MedGen C3150941, MONDO:0013364, OMIM 613684.
EP300-related disorder. Also called: EP300-related condition; EP300-related disorders.
Autosomal dominant cerebellar ataxia. Also called: Spinocerebellar Ataxia, Dominant. Identifiers: Orphanet 99, MedGen C4087347, MONDO:0020380.

Allele frequency attached by ClinVar (database versions not stated): gnomAD 0.00001; TOPMed 0.00001; ExAC 0.00003; gnomAD exomes 0.00003 and 0.00004.
gnomAD v4.1: 63 of 1,614,042 alleles (0.0039%); highest among the groups gnomAD compares: Non-Finnish European, 0.0052%; no homozygotes.

Submissions (4):

Ambry Genetics
Classification: Likely benign for Inborn genetic diseases. Last evaluated: 2023-07-20. Review status: criteria provided, single submitter. Criteria: Ambry Variant Classification Scheme 2023. Collection method: clinical testing. Allele origin: germline.

Labcorp Genetics (formerly Invitae), Labcorp
Classification: Likely benign for Rubinstein-Taybi syndrome due to EP300 haploinsufficiency. Last evaluated: 2023-02-14. Review status: criteria provided, single submitter. Criteria: Invitae Variant Classification Sherloc (09022015). Collection method: clinical testing. Allele origin: germline.

PreventionGenetics, part of Exact Sciences
Classification: Uncertain significance for EP300-related condition. Last evaluated: 2024-02-23. Review status: no assertion criteria provided. Collection method: clinical testing. Allele origin: germline. Not counted in ClinVar's aggregate classification.
Comment: The EP300 c.214C>A variant is predicted to result in the amino acid substitution p.Gln72Lys. This variant has been reported as a variant of uncertain significance in a cohort study of spinocerebellar ataxia (Ghorbani et al. 2022. PubMed ID: 35401678). This variant is reported in 0.0070% of alleles in individuals of European (Non-Finnish) descent in gnomAD. At this time, the clinical significance of this variant is uncertain due to the absence of conclusive functional and genetic evidence.

O&I group, Department of Genetics, University Medical Center of Groningen
Classification: Uncertain significance for Autosomal dominant cerebellar ataxia. Last evaluated: 2021-07-22. Review status: no assertion criteria provided. Collection method: research. Allele origin: unknown. Not counted in ClinVar's aggregate classification.

Literature cited by the submitters: PubMed 35401678 (cited by Ambry Genetics); DOI 10.3389/fgene.2022.782685 (cited by O&I group, Department of Genetics, University Medical Center of Groningen).

NM_001429.4(EP300):c.214C>A (p.Gln72Lys)

Gene: EP300 (EP300 lysine acetyltransferase; plus strand). Cytogenetic location: 22q13.2.
Variant type: single nucleotide variant.
Coding change: c.214C>A on transcript NM_001429.4 (MANE Select); coding-DNA position 214, C replaced by A.
Protein change: p.Gln72Lys; replaces glutamine 72 with lysine.
Molecular consequence: missense variant.
Genome position (GRCh38, 1-based): chr22:41,117,306, C>A. VCF-style: chr22-41117306-C-A. GRCh37 (hg19) VCF-style: chr22-41513310-C-A.
Other names: c.214C>A, p.Gln72Lys (NM_001362843.2); short protein forms Q72K.
Identifiers: ClinVar variation 1298318 (VCV001298318.10), dbSNP rs539635560, ClinGen allele CA10252210.